The following is an entry in ClinVar:

ClinVar aggregate classification (germline): Conflicting classifications of pathogenicity. Review status: criteria provided, conflicting classifications (1 of 4 stars). 3 submissions from 3 submitters: Uncertain significance (2); Likely benign (1). Last evaluated 2025-12-09.

Conditions:
Hereditary cancer-predisposing syndrome. Also called: Tumor predisposition; Hereditary Cancer Syndrome; Hereditary neoplastic syndrome; Neoplastic Syndromes, Hereditary. Identifiers: Orphanet 140162, MedGen C0027672, MeSH D009386, MONDO:0015356.
Basal cell carcinoma, susceptibility to, 1. Also called: BCC1. Identifiers: MedGen C2751544, MONDO:0011556, OMIM 605462.
Gorlin syndrome. Also called: Nevoid Basal Cell Carcinoma Syndrome; Basal cell nevus syndrome. Identifiers: Orphanet 377, MedGen C0004779, MONDO:0007187.

Allele frequency attached by ClinVar (database versions not stated): gnomAD exomes below 0.00001; gnomAD 0.00001; TOPMed 0.00001.
gnomAD v4.1: 5 of 1,613,934 alleles (0.00031%); highest among the groups gnomAD compares: Non-Finnish European, 0.00034%; no homozygotes.

Submissions (3):

Labcorp Genetics (formerly Invitae), Labcorp
Classification: Uncertain significance for Gorlin syndrome. Last evaluated: 2025-12-09. Review status: criteria provided, single submitter. Criteria: Invitae Variant Classification Sherloc (09022015). Collection method: clinical testing. Allele origin: germline.
Comment: This sequence change replaces glycine, which is neutral and non-polar, with arginine, which is basic and polar, at codon 1395 of the PTCH1 protein (p.Gly1395Arg). This variant is not present in population databases (gnomAD no frequency). This variant has not been reported in the literature in individuals affected with PTCH1-related conditions. ClinVar contains an entry for this variant (Variation ID: 237498). Invitae Evidence Modeling of protein sequence and biophysical properties (such as structural, functional, and spatial information, amino acid conservation, physicochemical variation, residue mobility, and thermodynamic stability) indicates that this missense variant is not expected to disrupt PTCH1 protein function with a negative predictive value of 95%. In summary, the available evidence is currently insufficient to determine the role of this variant in disease. Therefore, it has been classified as a Variant of Uncertain Significance.

Ambry Genetics
Classification: Likely benign for Hereditary cancer-predisposing syndrome. Last evaluated: 2025-06-12. Review status: criteria provided, single submitter. Criteria: Ambry Variant Classification Scheme 2023. Collection method: clinical testing. Allele origin: germline.

Baylor Genetics
Classification: Uncertain significance for Basal cell carcinoma, susceptibility to, 1. Last evaluated: 2024-01-04. Review status: criteria provided, single submitter. Criteria: ACMG Guidelines, 2015. Collection method: clinical testing. Allele origin: unknown.

NM_000264.5(PTCH1):c.4183G>A (p.Gly1395Arg)

Gene: PTCH1 (patched 1; minus strand). Cytogenetic location: 9q22.32.
Variant type: single nucleotide variant.
Coding change: c.4183G>A on transcript NM_000264.5 (MANE Select); coding-DNA position 4183, G replaced by A.
Protein change: p.Gly1395Arg; replaces glycine 1395 with arginine.
Molecular consequence: missense variant. On other transcripts: non-coding transcript variant (1).
Genome position (GRCh38, 1-based): chr9:95,447,073, C>T on the plus strand (G>A on the coding strand, the complement: PTCH1 is on the minus strand). VCF-style: chr9-95447073-C-T. GRCh37 (hg19) VCF-style: chr9-98209355-C-T.
Other names: c.3985G>A, p.Gly1329Arg (NM_001083602.3); c.4180G>A, p.Gly1394Arg (NM_001083603.3); c.3730G>A, p.Gly1244Arg (NM_001083604.3, NM_001083605.3, NM_001083606.3 and 1 more transcripts); c.4027G>A, p.Gly1343Arg (NM_001354918.2); short protein forms G1329R, G1395R, G1343R, G1244R, G1394R.
Identifiers: ClinVar variation 237498 (VCV000237498.18), dbSNP rs375626922, ClinGen allele CA10582672.